The following is an entry in ClinVar:

NM_015346.4(ZFYVE26):c.6940A>C (p.Lys2314Gln)

Gene: ZFYVE26 (zinc finger FYVE-type containing 26; minus strand). Cytogenetic location: 14q24.1.
Variant type: single nucleotide variant.
Coding change: c.6940A>C on transcript NM_015346.4 (MANE Select); coding-DNA position 6940, A replaced by C.
Protein change: p.Lys2314Gln; replaces lysine 2314 with glutamine.
Molecular consequence: missense variant.
Genome position (GRCh38, 1-based): chr14:67,755,097, T>G on the plus strand (A>C on the coding strand, the complement: ZFYVE26 is on the minus strand). VCF-style: chr14-67755097-T-G. GRCh37 (hg19) VCF-style: chr14-68221814-T-G.
Other names: short protein forms K2314Q.
Identifiers: ClinVar variation 1366891 (VCV001366891.6), dbSNP rs2140184349, ClinGen allele CA390160494.
Genomic context (GRCh38, chr14:67,755,097, plus strand): 5'-GAACCTCCAGCTACCTTGACACATCAGCTGCAGTCATCTTCTTTCTGAAGAATGTGGTTT[T>G]CTTCCTTCCAGAGCTGCGGGATGTTTCTTGGAGGTAGATCTTCAGGTGGTCCTTGGCCTT-3'
Protein context (NP_056161.2, residues 2304-2324): QETSRSSGRK[Lys2314Gln]TTFFRKKMTA

ClinVar aggregate classification (germline): Uncertain significance (1 of 4 stars; one submission).

Conditions:
Spastic paraplegia. Identifiers: MedGen C0037772, HP:0001258.

Submission:

Labcorp Genetics (formerly Invitae), Labcorp
Classification: Uncertain significance for Spastic paraplegia. Last evaluated: 2021-09-24. Review status: criteria provided, single submitter. Criteria: Invitae Variant Classification Sherloc (09022015). Collection method: clinical testing. Allele origin: germline.
Comment: This sequence change replaces lysine with glutamine at codon 2314 of the ZFYVE26 protein (p.Lys2314Gln). The lysine residue is moderately conserved and there is a small physicochemical difference between lysine and glutamine. In summary, the available evidence is currently insufficient to determine the role of this variant in disease. Therefore, it has been classified as a Variant of Uncertain Significance. Algorithms developed to predict the effect of missense changes on protein structure and function are either unavailable or do not agree on the potential impact of this missense change (SIFT: "Tolerated"; PolyPhen-2: "Possibly Damaging"; Align-GVGD: "Class C0"). This variant has not been reported in the literature in individuals affected with ZFYVE26-related conditions. This variant is not present in population databases (ExAC no frequency).